The following is an entry in ClinVar:

NM_000787.4(DBH):c.76G>A (p.Val26Met)

Gene: DBH (dopamine beta-hydroxylase; plus strand). Cytogenetic location: 9q34.2.
Variant type: single nucleotide variant.
Coding change: c.76G>A on transcript NM_000787.4 (MANE Select); coding-DNA position 76, G replaced by A.
Protein change: p.Val26Met; replaces valine 26 with methionine.
Molecular consequence: missense variant.
Genome position (GRCh38, 1-based): chr9:133,636,447, G>A. VCF-style: chr9-133636447-G-A. GRCh37 (hg19) VCF-style: chr9-136501569-G-A.
Other names: short protein forms V26M.
Identifiers: ClinVar variation 779694 (VCV000779694.38), dbSNP rs76856960, ClinGen allele CA5312943.
Genomic context (GRCh38, chr9:133,636,447, plus strand): 5'-CGCTGGGCCAGCCTGCCCGGCCCCAGCATGCGGGAGGCAGCCTTCATGTACAGCACAGCA[G>A]TGGCCATCTTCCTGGTCATCCTGGTGGCCGCACTGCAGGGCTCGGCTCCCCGTGAGAGCC-3'
Protein context (NP_000778.3, residues 16-36): REAAFMYSTA[Val26Met]AIFLVILVAA

ClinVar aggregate classification (germline): Benign/Likely benign. Review status: criteria provided, multiple submitters, no conflicts (2 of 4 stars). 5 submissions from 5 submitters: Benign (4); Likely benign (1). Last evaluated 2026-07-01.

Conditions:
Orthostatic hypotension 1 (ORTHYP1). Also called: Orthostatic hypotension 1, due to DBH deficiency; NORADRENALINE DEFICIENCY; NOREPINEPHRINE DEFICIENCY; Dopamine beta-hydroxylase deficiency. Identifiers: Orphanet 230, MedGen C4746777, MONDO:0009123, OMIM 223360.

Allele frequency attached by ClinVar (database versions not stated): TOPMed 0.00249; ESP Exome Variant Server 0.00315; 1000 Genomes Project 0.00339; 1000 Genomes Project 30x 0.00344; gnomAD 0.00348 and 0.00382; gnomAD exomes 0.00426 and 0.00512; ExAC 0.00587.

Submissions (5):

CeGaT Center for Human Genetics Tuebingen
Classification: Benign. Last evaluated: 2026-07-01. Review status: criteria provided, single submitter. Criteria: CeGaT Center For Human Genetics Tuebingen Variant Classification Criteria Version 2. Collection method: clinical testing. Allele origin: germline. Affected: yes. Observed: 5 variant alleles.
Comment: DBH: BS1, BS2

Labcorp Genetics (formerly Invitae), Labcorp
Classification: Benign for Orthostatic hypotension 1. Last evaluated: 2026-01-25. Review status: criteria provided, single submitter. Criteria: Invitae Variant Classification Sherloc (09022015). Collection method: clinical testing. Allele origin: germline.

Genomic Medicine Center of Excellence, King Faisal Specialist Hospital and Research Centre
Classification: Likely benign. Last evaluated: 2025-08-18. Review status: criteria provided, single submitter. Criteria: ACMG Guidelines, 2015. Collection method: clinical testing. Allele origin: germline.

Illumina Laboratory Services, Illumina
Classification: Benign for Orthostatic hypotension 1. Last evaluated: 2017-04-27. Review status: criteria provided, single submitter. Criteria: ICSL Variant Classification Criteria 13 December 2019. Collection method: clinical testing. Allele origin: germline.
Comment: This variant was observed as part of a predisposition screen in an ostensibly healthy population. A literature search was performed for the gene, cDNA change, and amino acid change (where applicable). Publications were found based on this search. The evidence from the literature, in combination with allele frequency data from public databases where available, was sufficient to rule this variant out of causing disease. Therefore, this variant is classified as benign.

Breakthrough Genomics
Classification: Benign. Review status: criteria provided, single submitter. Criteria: ACMG Guidelines, 2015. Collection method: not provided. Allele origin: germline. Inheritance: Autosomal recessive inheritance. Affected: yes.

Literature cited by the submitters: PubMed 26762739 (cited by Illumina Laboratory Services, Illumina).